The following is an entry in ClinVar:

ClinVar aggregate classification (germline): Conflicting classifications of pathogenicity. Review status: criteria provided, conflicting classifications (1 of 4 stars). 5 submissions from 5 submitters: Uncertain significance (3); Likely benign (2). Last evaluated 2025-02-22.

Conditions:
Inborn genetic diseases. Identifiers: MedGen C0950123, MeSH D030342.
Bainbridge-Ropers syndrome. Also called: Severe feeding difficulties-failure to thrive-microcephaly due to ASXL3 deficiency syndrome. Identifiers: Orphanet 352577, MedGen C4750837, MONDO:0014205, OMIM 615485.

Allele frequency attached by ClinVar (database versions not stated): ExAC 0.00001; TOPMed 0.00005; gnomAD exomes 0.00006 and 0.00001; gnomAD 0.00004.
gnomAD v4.1: 98 of 1,613,752 alleles (0.0061%); highest among the groups gnomAD compares: Non-Finnish European, 0.0075%; no homozygotes.

Submissions (5):

Ambry Genetics
Classification: Likely benign for Inborn genetic diseases. Last evaluated: 2025-02-22. Review status: criteria provided, single submitter. Criteria: Ambry Variant Classification Scheme 2023. Collection method: clinical testing. Allele origin: germline.

CeGaT Center for Human Genetics Tuebingen
Classification: Likely benign. Last evaluated: 2024-09-01. Review status: criteria provided, single submitter. Criteria: CeGaT Center For Human Genetics Tuebingen Variant Classification Criteria Version 2. Collection method: clinical testing. Allele origin: germline. Affected: yes. Observed: 2 variant alleles.
Comment: ASXL3: BP4

Genetic Services Laboratory, University of Chicago
Classification: Uncertain significance. Last evaluated: 2016-07-27. Review status: criteria provided, single submitter. Criteria: ACMG Guidelines, 2015. Collection method: clinical testing. Allele origin: germline. Affected: no.

Breakthrough Genomics
Classification: Uncertain significance. Review status: criteria provided, single submitter. Criteria: ACMG Guidelines, 2015. Collection method: not provided. Allele origin: germline. Inheritance: Autosomal dominant inheritance. Affected: yes.

UNC Molecular Genetics  Laboratory, University of North Carolina at Chapel Hill
Classification: Uncertain significance for Bainbridge-Ropers syndrome. Review status: criteria provided, single submitter. Criteria: ACMG Guidelines, 2015. Collection method: research. Allele origin: inherited. Observed: 1 variant allele. Study: CSER_NCGENES_2.
Comment: The ASXL3 c.1214C>T p.Pro405Leu is a missense variant that changes a single amino acid in the protein coding region from a proline to leucine. This variant has not been reported in the literature and is of uncertain significance.

NM_030632.3(ASXL3):c.1214C>T (p.Pro405Leu)

Gene: ASXL3 (ASXL transcriptional regulator 3; plus strand). Cytogenetic location: 18q12.1.
Variant type: single nucleotide variant.
Coding change: c.1214C>T on transcript NM_030632.3 (MANE Select); coding-DNA position 1214, C replaced by T.
Protein change: p.Pro405Leu; replaces proline 405 with leucine.
Molecular consequence: missense variant.
Genome position (GRCh38, 1-based): chr18:33,738,618, C>T. VCF-style: chr18-33738618-C-T. GRCh37 (hg19) VCF-style: chr18-31318582-C-T.
Other names: short protein forms P405L.
Identifiers: ClinVar variation 434426 (VCV000434426.34), dbSNP rs762217973, ClinGen allele CA8933728.